The following is an entry in ClinVar:

NM_014915.3(ANKRD26):c.207G>C (p.Arg69Ser)

Gene: ANKRD26 (ankyrin repeat domain containing 26; minus strand). Cytogenetic location: 10p12.1.
Variant type: single nucleotide variant.
Coding change: c.207G>C on transcript NM_014915.3 (MANE Select); coding-DNA position 207, G replaced by C.
Protein change: p.Arg69Ser; replaces arginine 69 with serine.
Molecular consequence: missense variant.
Genome position (GRCh38, 1-based): chr10:27,100,120, C>G on the plus strand (G>C on the coding strand, the complement: ANKRD26 is on the minus strand). VCF-style: chr10-27100120-C-G. GRCh37 (hg19) VCF-style: chr10-27389049-C-G.
Other names: c.207G>C, p.Arg69Ser (NM_001256053.2); short protein forms R69S.
Identifiers: ClinVar variation 3871566 (VCV003871566.1).

ClinVar aggregate classification (germline): Uncertain significance (1 of 4 stars; one submission).

Conditions:
Inborn genetic diseases. Identifiers: MedGen C0950123, MeSH D030342.

gnomAD v4.1: 3 of 1,614,032 alleles (0.00019%); highest among the groups gnomAD compares: African/African-American, 0.004%; no homozygotes.

Submission:

Ambry Genetics
Classification: Uncertain significance for Inborn genetic diseases. Last evaluated: 2025-02-22. Review status: criteria provided, single submitter. Criteria: Ambry Variant Classification Scheme 2023. Collection method: clinical testing. Allele origin: germline.
Comment: The p.R69S variant (also known as c.207G>C), located in coding exon 1 of the ANKRD26 gene, results from a G to C substitution at nucleotide position 207. The arginine at codon 69 is replaced by serine, an amino acid with dissimilar properties. This amino acid position is conserved. In addition, this alteration is predicted to be tolerated by in silico analysis. Based on the available evidence, the clinical significance of this variant remains unclear.